The following is an entry in ClinVar:

NM_000180.4(GUCY2D):c.154G>T (p.Ala52Ser)

Gene: GUCY2D (guanylate cyclase 2D, retinal; plus strand). Cytogenetic location: 17p13.1.
Variant type: single nucleotide variant.
Coding change: c.154G>T on transcript NM_000180.4 (MANE Select); coding-DNA position 154, G replaced by T.
Protein change: p.Ala52Ser; replaces alanine 52 with serine.
Molecular consequence: missense variant.
Genome position (GRCh38, 1-based): chr17:8,003,201, G>T. VCF-style: chr17-8003201-G-T. GRCh37 (hg19) VCF-style: chr17-7906519-G-T.
Other names: NM_000180.4(GUCY2D):c.154G>T; short protein forms A52S.
Identifiers: ClinVar variation 9353 (VCV000009353.40), dbSNP rs61749665, ClinGen allele CA145842.

ClinVar aggregate classification (germline): Benign. Review status: reviewed by expert panel (3 of 4 stars). 18 submissions from 18 submitters: Benign (1). 17 of the submissions do not count toward it. Last evaluated 2025-01-30.

Conditions:
GUCY2D-related recessive retinopathy. Also called: Recessive GUCY2D retinopathy. Identifiers: MedGen CN305603, MONDO:0100453.
Cone-rod dystrophy 6 (CORD6). Also called: Cone dystrophy progressive; RETINAL CONE DYSTROPHY 2. Identifiers: Orphanet 1872, MedGen C1866293, MONDO:0011143, OMIM 601777.
Choroidal dystrophy, central areolar, 1. Identifiers: Orphanet 75377, MedGen C4551884, MONDO:0024539, OMIM 215500.
Night blindness, congenital stationary, type1i. Also called: NIGHT BLINDNESS, CONGENITAL STATIONARY, TYPE 1I. Identifiers: MedGen C5231408, MONDO:0032811, OMIM 618555.
Leber congenital amaurosis 1 (LCA1). Also called: AMAUROSIS CONGENITA OF LEBER I; RETINAL BLINDNESS, CONGENITAL; Congenital absence of the rods and cones; Leber's congenital tapetoretinal degeneration; Leber's congenital tapetoretinal dysplasia. Identifiers: Orphanet 65, MedGen C2931258, MONDO:0008764, OMIM 204000.

Allele frequency attached by ClinVar (database versions not stated): gnomAD 0.29501 and 0.31059; gnomAD exomes 0.34423 and 0.41591; 1000 Genomes Project 30x 0.40631; 1000 Genomes Project 0.41593; TOPMed 0.29742; ExAC 0.52113.
gnomAD v4.1: 517,894 of 1,517,162 alleles (34%); highest among the groups gnomAD compares: East Asian, 69%; 95,479 homozygotes.

Submissions (18):

ClinGen Leber Congenital Amaurosis/early Onset Retinal Dystrophy Variant Curation Expert Panel, ClinGen
Classification: Benign for GUCY2D-related recessive retinopathy. Last evaluated: 2025-01-30. Review status: reviewed by expert panel. Criteria: ClinGen LCAeoRD ACMG Specifications GUCY2D V1.0.0. Collection method: curation. Allele origin: germline. Inheritance: Autosomal recessive inheritance.
Comment: The NM_000180.4(GUCY2D):c.154G>T (p.Ala52Ser) variant is predicted to replace the alanine at position p.52 with serine. This variant is present in gnomAD v.4.1.0 at a GrpMax allele frequency of 0.6857, with 26306 alleles / 37974 total alleles in the East Asian population, which is higher than the ClinGen LCA / eoRD VCEP BA1 threshold of >0.016 (BA1). This variant has been found in the homozygous state in 95,479 adult individuals in gnomAD v4.1.0 (BS2). The computational predictor REVEL gives a score of 0.126, which is below the ClinGen LCA / eoRD VCEP threshold of ≤0.183 and predicts a non-damaging effect on RetGC-1 protein function. In addition, the splicing impact predictor SpliceAI gives a delta score of 0.0, which is below the ClinGen LCA / eoRD VCEP recommended threshold of <0.1 and does not predict an impact on splicing (BP4_Moderate). In summary, this variant meets the criteria to be classified as Benign for GUCY2D-related recessive retinopathy based on the ACMG/AMP criteria applied, as specified by the ClinGen LCA/eoRD VCEP: BA1, BS2, BP4_Moderate. (VCEP specifications version 1.0.0; date of approval 01/22/2025).

Labcorp Genetics (formerly Invitae), Labcorp
Classification: Benign for Leber congenital amaurosis 1; Cone-rod dystrophy 6. Last evaluated: 2026-02-04. Review status: criteria provided, single submitter. Criteria: Invitae Variant Classification Sherloc (09022015). Collection method: clinical testing. Allele origin: germline. Not counted in ClinVar's aggregate classification.

Blueprint Genetics
Classification: Likely benign. Last evaluated: 2024-11-28. Review status: criteria provided, single submitter. Criteria: ACMG Guidelines, 2015. Collection method: clinical testing. Allele origin: germline. Not counted in ClinVar's aggregate classification.

ARUP Laboratories, Molecular Genetics and Genomics, ARUP Laboratories
Classification: Benign. Last evaluated: 2023-11-29. Review status: criteria provided, single submitter. Criteria: ARUP Molecular Germline Variant Investigation Process 2024. Collection method: clinical testing. Allele origin: germline. Not counted in ClinVar's aggregate classification.

Department of Pathology and Laboratory Medicine, Sinai Health System
Classification: Benign for Leber congenital amaurosis 1; Choroidal dystrophy, central areolar, 1; Cone-rod dystrophy 6; Night blindness, congenital stationary, type1i. Last evaluated: 2023-04-24. Review status: criteria provided, single submitter. Criteria: ACMG Guidelines, 2015. Collection method: research. Allele origin: germline. Not counted in ClinVar's aggregate classification.

Molecular Genetics, Royal Melbourne Hospital
Classification: Benign for Cone-rod dystrophy 6. Last evaluated: 2021-10-04. Review status: criteria provided, single submitter. Criteria: ACMG Guidelines, 2015. Collection method: clinical testing. Allele origin: germline. Affected: no. Not counted in ClinVar's aggregate classification.
Comment: Population allele frequency is 40% (rs61749665, 54,832/138,790 alleles in gnomAD v2.0.2). Based on the classification scheme RMH ACMG Guidelines v1.1.1, this variant is classified as Benign. Following criteria met: BA1

Fulgent Genetics
Classification: Benign for Leber congenital amaurosis 1; Choroidal dystrophy, central areolar, 1; Cone-rod dystrophy 6; Night blindness, congenital stationary, type1i. Last evaluated: 2021-09-01. Review status: criteria provided, single submitter. Criteria: ACMG Guidelines, 2015. Collection method: clinical testing. Allele origin: unknown. Not counted in ClinVar's aggregate classification.

Eurofins Ntd Llc (ga)
Classification: Benign. Last evaluated: 2016-03-16. Review status: criteria provided, single submitter. Criteria: EGL Classification Definitions 2015. Collection method: clinical testing. Allele origin: germline. Observed: 131 variant alleles, 98 heterozygotes, 33 homozygotes. Not counted in ClinVar's aggregate classification.

GeneDx
Classification: Benign. Last evaluated: 2015-03-03. Review status: criteria provided, single submitter. Criteria: GeneDx Variant Classification Process June 2021. Collection method: clinical testing. Allele origin: germline. Affected: yes. Not counted in ClinVar's aggregate classification.

Breakthrough Genomics
Classification: Benign. Review status: criteria provided, single submitter. Criteria: ACMG Guidelines, 2015. Collection method: not provided. Allele origin: germline. Inheritance: Autosomal recessive inheritance. Affected: yes. Not counted in ClinVar's aggregate classification.

PreventionGenetics, part of Exact Sciences
Classification: Benign. Review status: criteria provided, single submitter. Criteria: ACMG Guidelines, 2015. Collection method: clinical testing. Allele origin: germline. Not counted in ClinVar's aggregate classification.

Clinical Genetics DNA and cytogenetics Diagnostics Lab, Erasmus MC, Erasmus Medical Center
Classification: Benign. Review status: no assertion criteria provided. Collection method: clinical testing. Allele origin: germline. Affected: yes. Study: VKGL Data-share Consensus. Not counted in ClinVar's aggregate classification.

Clinical Genetics, Academic Medical Center
Classification: Benign. Review status: no assertion criteria provided. Collection method: clinical testing. Allele origin: germline. Affected: yes. Study: VKGL Data-share Consensus. Not counted in ClinVar's aggregate classification.

Department of Ophthalmology and Visual Sciences Kyoto University
Classification: Likely benign. Review status: no assertion criteria provided. Collection method: not provided. Allele origin: unknown. Not counted in ClinVar's aggregate classification.
ClinVar note: Converted during submission from probable-non-pathogenic to Likely benign.

Diagnostic Laboratory, Department of Genetics, University Medical Center Groningen
Classification: Benign. Review status: no assertion criteria provided. Collection method: clinical testing. Allele origin: germline. Affected: yes. Study: VKGL Data-share Consensus. Not counted in ClinVar's aggregate classification.

Joint Genome Diagnostic Labs from Nijmegen and Maastricht, Radboudumc and MUMC+
Classification: Benign. Review status: no assertion criteria provided. Collection method: clinical testing. Allele origin: germline. Affected: yes. Study: VKGL Data-share Consensus. Not counted in ClinVar's aggregate classification.

Retina International
No classification provided. Review status: no classification provided. Collection method: not provided. Allele origin: unknown. Not counted in ClinVar's aggregate classification.

OMIM
Classification: Pathogenic for LEBER CONGENITAL AMAUROSIS 1. Last evaluated: 1998-08-01. Review status: flagged submission. Collection method: literature only. Allele origin: germline. Not counted in ClinVar's aggregate classification.
ClinVar note: Reason: Older and outlier claim with insufficient supporting evidence

Literature cited by the submitters: PubMed 9683616 (cited by OMIM).